The following is an entry in ClinVar:

NM_201596.3(CACNB2):c.1589A>C (p.His530Pro)

Gene: CACNB2 (calcium voltage-gated channel auxiliary subunit beta 2; plus strand). Cytogenetic location: 10p12.31.
Variant type: single nucleotide variant.
Coding change: c.1589A>C on transcript NM_201596.3 (MANE Select); coding-DNA position 1589, A replaced by C.
Protein change: p.His530Pro; replaces histidine 530 with proline.
Molecular consequence: missense variant.
Genome position (GRCh38, 1-based): chr10:18,539,330, A>C. VCF-style: chr10-18539330-A-C. GRCh37 (hg19) VCF-style: chr10-18828259-A-C.
Other names: c.1424A>C, p.His475Pro (NM_000724.4); c.1391A>C, p.His464Pro (NM_001167945.2); c.1310A>C, p.His437Pro (NM_001330060.2); c.1445A>C, p.His482Pro (NM_201570.3); c.1505A>C, p.His502Pro (NM_201571.4); c.1433A>C, p.His478Pro (NM_201572.4); c.1427A>C, p.His476Pro (NM_201590.3); c.1475A>C, p.His492Pro (NM_201593.3); and 1 more; short protein forms H475P, H478P, H437P, H476P, H492P, H530P, H502P, H506P.
Identifiers: ClinVar variation 1382333 (VCV001382333.11), dbSNP rs1169230473, ClinGen allele CA376071413.

ClinVar aggregate classification (germline): Uncertain significance. Review status: criteria provided, multiple submitters, no conflicts (2 of 4 stars). 2 submissions from 2 submitters: Uncertain significance (2). Last evaluated 2025-05-08.

Conditions:
Cardiovascular phenotype. Identifiers: MedGen CN230736.
Brugada syndrome 4 (BRGDA4). Identifiers: Orphanet 130, MedGen C2678477, MONDO:0012743, OMIM 611876.

Allele frequency attached by ClinVar (database versions not stated): gnomAD 0.00001; TOPMed 0.00001.
gnomAD v4.1: 3 of 1,613,790 alleles (0.00019%); highest among the groups gnomAD compares: African/African-American, 0.004%; no homozygotes.

Submissions (2):

Ambry Genetics
Classification: Uncertain significance for Cardiovascular phenotype. Last evaluated: 2025-05-08. Review status: criteria provided, single submitter. Criteria: Ambry Variant Classification Scheme 2023. Collection method: clinical testing. Allele origin: germline.
Comment: The p.H476P variant (also known as c.1427A>C), located in coding exon 13 of the CACNB2 gene, results from an A to C substitution at nucleotide position 1427. The histidine at codon 476 is replaced by proline, an amino acid with similar properties. This amino acid position is conserved. In addition, this alteration is predicted to be deleterious by in silico analysis. Since supporting evidence is limited at this time, the clinical significance of this alteration remains unclear.

Labcorp Genetics (formerly Invitae), Labcorp
Classification: Uncertain significance for Brugada syndrome 4. Last evaluated: 2024-10-16. Review status: criteria provided, single submitter. Criteria: Invitae Variant Classification Sherloc (09022015). Collection method: clinical testing. Allele origin: germline.
Comment: This sequence change replaces histidine, which is basic and polar, with proline, which is neutral and non-polar, at codon 476 of the CACNB2 protein (p.His476Pro). The frequency data for this variant in the population databases is considered unreliable, as metrics indicate poor data quality at this position in the gnomAD database. This variant has not been reported in the literature in individuals affected with CACNB2-related conditions. ClinVar contains an entry for this variant (Variation ID: 1382333). Invitae Evidence Modeling of protein sequence and biophysical properties (such as structural, functional, and spatial information, amino acid conservation, physicochemical variation, residue mobility, and thermodynamic stability) indicates that this missense variant is not expected to disrupt CACNB2 protein function with a negative predictive value of 80%. In summary, the available evidence is currently insufficient to determine the role of this variant in disease. Therefore, it has been classified as a Variant of Uncertain Significance.